The following is an entry in ClinVar:

NM_138576.4(BCL11B):c.2443C>T (p.Arg815Trp)

Gene: BCL11B (BCL11 transcription factor B; minus strand). Cytogenetic location: 14q32.2.
Variant type: single nucleotide variant.
Coding change: c.2443C>T on transcript NM_138576.4 (MANE Select); coding-DNA position 2443, C replaced by T.
Protein change: p.Arg815Trp; replaces arginine 815 with tryptophan.
Molecular consequence: missense variant.
Genome position (GRCh38, 1-based): chr14:99,174,393, G>A on the plus strand (C>T on the coding strand, the complement: BCL11B is on the minus strand). VCF-style: chr14-99174393-G-A. GRCh37 (hg19) VCF-style: chr14-99640730-G-A.
Other names: c.2440C>T, p.Arg814Trp (NM_001282237.2); c.2227C>T, p.Arg743Trp (NM_001282238.2); c.2230C>T, p.Arg744Trp (NM_022898.3); short protein forms R744W, R743W, R814W, R815W.
Identifiers: ClinVar variation 2009287 (VCV002009287.4), dbSNP rs2503636648, ClinGen allele CA390933209.

ClinVar aggregate classification (germline): Uncertain significance (1 of 4 stars; one submission).

Submission:

Labcorp Genetics (formerly Invitae), Labcorp
Classification: Uncertain significance. Last evaluated: 2022-11-22. Review status: criteria provided, single submitter. Criteria: Invitae Variant Classification Sherloc (09022015). Collection method: clinical testing. Allele origin: germline.
Comment: This variant is not present in population databases (gnomAD no frequency). This sequence change replaces arginine, which is basic and polar, with tryptophan, which is neutral and slightly polar, at codon 815 of the BCL11B protein (p.Arg815Trp). This variant has not been reported in the literature in individuals affected with BCL11B-related conditions. In summary, the available evidence is currently insufficient to determine the role of this variant in disease. Therefore, it has been classified as a Variant of Uncertain Significance. Algorithms developed to predict the effect of missense changes on protein structure and function (SIFT, PolyPhen-2, Align-GVGD) all suggest that this variant is likely to be disruptive.